The following is an entry in ClinVar:

ClinVar aggregate classification (germline): Conflicting classifications of pathogenicity. Review status: criteria provided, conflicting classifications (1 of 4 stars). 2 submissions from 2 submitters: Pathogenic (1); Uncertain significance (1). Last evaluated 2023-10-27.

Conditions:
Severe muscular hypotonia. Also called: Severe hypotonia. Identifiers: MedGen C1839630, HP:0006829.
Global developmental delay (DD). Also called: Cognitive delay. Identifiers: MedGen C0557874, HP:0001263. Disease mechanism: loss of function.
Respiratory distress. Identifiers: MedGen C0476273, HP:0002098.
Abnormal facial shape. Also called: Dysmorphic facies; Dysmorphic facial features. Identifiers: MedGen C0424503, HP:0001999.
Intellectual disability. Also called: intellectual disabilities; Intellectual functioning disability; Intellectual developmental disorder. Identifiers: MedGen C3714756, MeSH D008607, MONDO:0001071, HP:0001249.
Seizure. Also called: Seizures. Identifiers: MedGen C0036572, HP:0001250.
KIF5B-related developmental disorder.

Submissions (2):

3billion
Classification: Uncertain significance for KIF5B-related developmental disorder. Last evaluated: 2023-10-27. Review status: criteria provided, single submitter. Criteria: ACMG Guidelines, 2015. Collection method: clinical testing. Allele origin: germline. Affected: yes.
Comment: The variant is not observed in the gnomAD v2.1.1 dataset. Predicted Consequence/Location: Missense changes are a common disease-causing mechanism. In silico tool predictions suggest damaging effect of the variant on gene or gene product [REVEL: 0.79 (>=0.6, sensitivity 0.68 and specificity 0.92); 3Cnet: 0.25 (>=0.6, sensitivity 0.72 and precision 0.9)]. Same nucleotide change resulting in same amino acid change has been previously reported to be associated with KIF5B related disorder (ClinVar ID: VCV001691097, PMID:36018820). However, the evidence of pathogenicity is insufficient at this time. Therefore, this variant is classified as VUS according to the recommendation of ACMG/AMP guideline.

Tartaglia Lab, Genetics and Rare Diseases Research Division, Bambino Gesu' Children's Hospital
Classification: Pathogenic for Global developmental delay; Intellectual disability; Seizure; Abnormal facial shape; Respiratory distress; Severe muscular hypotonia. Review status: criteria provided, single submitter. Criteria: ACMG Guidelines, 2015. Collection method: research. Allele origin: de novo. Affected: yes.

NM_004521.3(KIF5B):c.1610T>C (p.Leu537Pro)

Gene: KIF5B (kinesin family member 5B; minus strand). Cytogenetic location: 10p11.22.
Variant type: single nucleotide variant.
Coding change: c.1610T>C on transcript NM_004521.3 (MANE Select); coding-DNA position 1610, T replaced by C.
Protein change: p.Leu537Pro; replaces leucine 537 with proline.
Molecular consequence: missense variant.
Genome position (GRCh38, 1-based): chr10:32,028,543, A>G on the plus strand (T>C on the coding strand, the complement: KIF5B is on the minus strand). VCF-style: chr10-32028543-A-G. GRCh37 (hg19) VCF-style: chr10-32317471-A-G.
Other names: short protein forms L537P.
Identifiers: ClinVar variation 1691097 (VCV001691097.2), dbSNP rs2491866364, ClinGen allele CA376450112.